The following is an entry in ClinVar:

NC_000016.9:g.(?_88709946)_(88713408_?)del

Gene: CYBA (cytochrome b-245 alpha chain; minus strand). Cytogenetic location: 16q24.3.
Variant type: Deletion.
Identifiers: ClinVar variation 3243441 (VCV003243441.1).

ClinVar aggregate classification (germline): Likely pathogenic (1 of 4 stars; one submission).

Conditions:
Granulomatous disease, chronic, autosomal recessive, cytochrome b-negative. Also called: CGD DUE TO DEFICIENCY OF THE ALPHA SUBUNIT OF CYTOCHROME b; CGD, AUTOSOMAL RECESSIVE CYTOCHROME b-NEGATIVE; CYBA DEFICIENCY; GRANULOMATOUS DISEASE, CHRONIC, AUTOSOMAL RECESSIVE, 4; Chronic granulomatous disease, autosomal, due to deficiency of CYBA. Identifiers: Orphanet 379, MedGen C1856255, MONDO:0009308, OMIM 233690.

Submission:

Labcorp Genetics (formerly Invitae), Labcorp
Classification: Likely pathogenic for Granulomatous disease, chronic, autosomal recessive, cytochrome b-negative. Last evaluated: 2019-01-26. Review status: criteria provided, single submitter. Criteria: Invitae Variant Classification Sherloc (09022015). Collection method: clinical testing. Allele origin: unknown.
Comment: In summary, the currently available evidence indicates that the variant is pathogenic, but additional data are needed to prove that conclusively. Therefore, this variant has been classified as Likely Pathogenic. This partial exon deletion disrupts, among other residues, the p.Arg90 amino acid residue in exon 4 of CYBA. Other variant(s) that disrupt the p.Arg90 residue have been observed in individuals with CYBA-related conditions (PMID: 10910929, 20167518), suggesting that it is a clinically significant residue. As a result, variants that disrupt this residue are likely to be causative of disease. This variant has not been reported in the literature in individuals with CYBA-related conditions. This variant is a deletion of the genomic region encompassing exons 4 and 5, as well as part of exon 6 (c.203+101_403delinsGCCTCCA) of the CYBA gene.¬†While this is not anticipated to result in nonsense mediated decay, it is expected to result in a truncated protein product.

Literature cited by the submitters: PubMed 10910929; PubMed 20167518.